The following is an entry in ClinVar:

ClinVar aggregate classification (germline): Pathogenic/Likely pathogenic. Review status: criteria provided, multiple submitters, no conflicts (2 of 4 stars). 2 submissions from 2 submitters: Pathogenic (1); Likely pathogenic (1). Last evaluated 2023-11-24.

Conditions:
Microcephaly 8, primary, autosomal recessive. Identifiers: Orphanet 2512, MedGen C3553414, MONDO:0013849, OMIM 614673.

gnomAD v4.1: 7 of 1,612,514 alleles (0.00043%); highest among the groups gnomAD compares: African/African-American, 0.0013%; no homozygotes.

Submissions (2):

Labcorp Genetics (formerly Invitae), Labcorp
Classification: Pathogenic. Last evaluated: 2023-11-24. Review status: criteria provided, single submitter. Criteria: Invitae Variant Classification Sherloc (09022015). Collection method: clinical testing. Allele origin: germline.
Comment: This sequence change creates a premature translational stop signal (p.Ser997*) in the CEP135 gene. It is expected to result in an absent or disrupted protein product. Loss-of-function variants in CEP135 are known to be pathogenic (PMID: 22521416, 26657937). This variant is present in population databases (rs146076380, gnomAD 0.007%). This variant has not been reported in the literature in individuals affected with CEP135-related conditions. Algorithms developed to predict the effect of sequence changes on RNA splicing suggest that this variant may disrupt the consensus splice site. For these reasons, this variant has been classified as Pathogenic.

Juno Genomics, Hangzhou Juno Genomics, Inc
Classification: Likely pathogenic for Microcephaly 8, primary, autosomal recessive. Review status: criteria provided, single submitter. Criteria: ACMG Guidelines, 2015. Collection method: clinical testing. Allele origin: germline. Affected: yes.
Comment: Absent from controls (or at extremely low frequency if recessive) in Genome Aggregation Database, Exome Sequencing Project, 1000 Genomes Project, or Exome Aggregation Consortium.;Null variant in a gene where loss of function (LOF) is a known mechanism of disease.

Literature cited by the submitters: PubMed 22521416 (cited by Labcorp Genetics (formerly Invitae), Labcorp); PubMed 26657937 (cited by Labcorp Genetics (formerly Invitae), Labcorp).

NM_025009.5(CEP135):c.2990C>A (p.Ser997Ter)

Gene: CEP135 (centrosomal protein 135; plus strand). Cytogenetic location: 4q12.
Variant type: single nucleotide variant.
Coding change: c.2990C>A on transcript NM_025009.5 (MANE Select); coding-DNA position 2990, C replaced by A.
Protein change: p.Ser997Ter; replaces serine 997 with a stop codon.
Molecular consequence: nonsense.
Genome position (GRCh38, 1-based): chr4:56,017,835, C>A. VCF-style: chr4-56017835-C-A. GRCh37 (hg19) VCF-style: chr4-56884001-C-A.
Other names: short protein forms S997*.
Identifiers: ClinVar variation 2782546 (VCV002782546.5), dbSNP rs146076380, ClinGen allele CA2928300.
Genomic context (GRCh38, chr4:56,017,835, plus strand): 5'-TTAGAGAACTTTGCATTAAACTTGATTCAGGCAAAGATATTATGACCCAGCAATTGAATT[C>A]GAAAAACCTTGAGTTTGAGAGGGTAAGAAAGATAAATTGTCTTGGCACATTGTTTTATTG-3'